The following is an entry in ClinVar:

ClinVar aggregate classification (germline): Pathogenic (1 of 4 stars; one submission).

Submission:

Labcorp Genetics (formerly Invitae), Labcorp
Classification: Pathogenic. Last evaluated: 2023-07-19. Review status: criteria provided, single submitter. Criteria: Invitae Variant Classification Sherloc (09022015). Collection method: clinical testing. Allele origin: unknown.
Comment: For these reasons, this variant has been classified as Pathogenic. This variant has not been reported in the literature in individuals affected with EYS-related conditions. This variant is a gross deletion of the genomic region encompassing exon(s) 20-21 of the EYS gene. This deletion is out-of-frame, and is expected to create a premature termination codon and result in an absent or disrupted protein product. Loss-of-function variants in EYS are known to be pathogenic (PMID: 18836446, 20333770).

Literature cited by the submitters: PubMed 18836446; PubMed 20333770.

NC_000006.11:g.(?_65531518)_(65532735_?)del

Gene: EYS (eyes shut homolog; minus strand). Cytogenetic location: 6q12.
Variant type: Deletion.
Identifiers: ClinVar variation 3246111 (VCV003246111.1).